The following is an entry in ClinVar:

NM_001350197.2(EVI5):c.1884G>T (p.Gln628His)

Gene: EVI5 (ecotropic viral integration site 5; minus strand). Cytogenetic location: 1p22.1.
Variant type: single nucleotide variant.
Coding change: c.1884G>T on transcript NM_001350197.2 (MANE Select); coding-DNA position 1884, G replaced by T.
Protein change: p.Gln628His; replaces glutamine 628 with histidine.
Molecular consequence: missense variant.
Genome position (GRCh38, 1-based): chr1:92,607,671, C>A on the plus strand (G>T on the coding strand, the complement: EVI5 is on the minus strand). VCF-style: chr1-92607671-C-A. GRCh37 (hg19) VCF-style: chr1-93073228-C-A.
Other names: c.1869G>T, p.Gln623His (NM_001308248.2); c.1884G>T, p.Gln628His (NM_001350198.2); c.1860G>T, p.Gln620His (NM_001377210.1); c.1842G>T, p.Gln614His (NM_001377211.1); c.1737G>T, p.Gln579His (NM_001377212.1); c.1965G>T, p.Gln655His (NM_001377213.1); c.1836G>T, p.Gln612His (NM_005665.6); short protein forms Q612H, Q628H, Q623H, Q579H, Q614H, Q620H, Q655H.
Identifiers: ClinVar variation 402837 (VCV000402837.5), dbSNP rs11808092, ClinGen allele CA951691.
Genomic context (GRCh38, chr1:92,607,671, plus strand): 5'-TGCTTCACTTAATTGAGTAAGGAGTCCTTTGTTCTGTGCAGAAAGATACTGCACTTTCTC[C>A]TGTAGGCTAATCACCTCTTGTTCTGCTCTTCGAAGATGGTTACTATTGATCTGGTTCTAA-3'
Protein context (NP_001337126.1, residues 618-638): RRAEQEVISL[Gln628His]EKVQYLSAQN

ClinVar aggregate classification (germline): Benign. Review status: criteria provided, multiple submitters, no conflicts (2 of 4 stars). 2 submissions from 2 submitters: Benign (2). Last evaluated 2016-03-29.

Allele frequency attached by ClinVar (database versions not stated): 1000 Genomes Project 0.12340; 1000 Genomes Project 30x 0.12352; TOPMed 0.18707; gnomAD exomes 0.19511 and 0.23285; gnomAD 0.19512 and 0.19828; ExAC 0.19940; ESP Exome Variant Server 0.20558.
gnomAD v4.1: 367,430 of 1,603,890 alleles (23%); highest among the groups gnomAD compares: Non-Finnish European, 25%; 45,581 homozygotes.

Submissions (2):

Laboratory for Molecular Medicine, Mass General Brigham Personalized Medicine
Classification: Benign. Last evaluated: 2016-03-29. Review status: criteria provided, single submitter. Criteria: LMM Criteria. Collection method: clinical testing. Allele origin: germline.
Comment: Variant identified in a genome or exome case(s) and assessed due to predicted null impact of the variant or pathogenic assertions in the literature or databases. Disclaimer: This variant has not undergone full assessment. The following are preliminary notes: Frequency

Breakthrough Genomics
Classification: Benign. Review status: criteria provided, single submitter. Criteria: ACMG Guidelines, 2015. Collection method: not provided. Allele origin: germline. Inheritance: Unknown mechanism. Affected: yes.